The following is an entry in ClinVar:

NM_022167.4(XYLT2):c.1191C>T (p.Gly397=)

Gene: XYLT2 (xylosyltransferase 2; plus strand). Cytogenetic location: 17q21.33.
Variant type: single nucleotide variant.
Coding change: c.1191C>T on transcript NM_022167.4 (MANE Select); coding-DNA position 1191, C replaced by T.
Protein change: p.Gly397=; no amino-acid change (glycine 397 retained).
Molecular consequence: synonymous variant.
Genome position (GRCh38, 1-based): chr17:50,355,883, C>T. VCF-style: chr17-50355883-C-T. GRCh37 (hg19) VCF-style: chr17-48433244-C-T.
Identifiers: ClinVar variation 788907 (VCV000788907.12), dbSNP rs201928888, ClinGen allele CA8646395.
Genomic context (GRCh38, chr17:50,355,883, plus strand): 5'-CGACTCACACATGTGGCGCCTGGGCGAGCGGCAGATCCCAGCAGGCATTGTGGTGGATGG[C>T]GGTTCTGACTGGTTCGTGCTGACACGCAGCTTTGTGGAGTATGTGGTGTACACAGATGAC-3'
Protein context (NP_071450.2, residues 387-407): RQIPAGIVVD[Gly397=]GSDWFVLTRS

ClinVar aggregate classification (germline): Likely benign. Review status: criteria provided, multiple submitters, no conflicts (2 of 4 stars). 4 submissions from 4 submitters: Likely benign (3). 1 of the submissions does not count toward it. Last evaluated 2026-02-10.

Conditions:
XYLT2-related disorder. Also called: XYLT2-related condition.

Allele frequency attached by ClinVar (database versions not stated): ExAC 0.00012; gnomAD exomes 0.00016; TOPMed 0.00019; gnomAD 0.00020; ESP Exome Variant Server 0.00023.
gnomAD v4.1: 258 of 1,614,114 alleles (0.016%); highest among the groups gnomAD compares: Non-Finnish European, 0.019%; no homozygotes.

Submissions (4):

Women's Health and Genetics/Laboratory Corporation of America, LabCorp
Classification: Likely benign. Last evaluated: 2026-02-10. Review status: criteria provided, single submitter. Criteria: LabCorp Variant Classification Summary - May 2015. Collection method: clinical testing. Allele origin: germline.

Labcorp Genetics (formerly Invitae), Labcorp
Classification: Likely benign. Last evaluated: 2025-10-25. Review status: criteria provided, single submitter. Criteria: Invitae Variant Classification Sherloc (09022015). Collection method: clinical testing. Allele origin: germline.

Blueprint Genetics
Classification: Likely benign. Last evaluated: 2024-08-30. Review status: criteria provided, single submitter. Criteria: ACMG Guidelines, 2015. Collection method: clinical testing. Allele origin: germline.

PreventionGenetics, part of Exact Sciences
Classification: Likely benign for XYLT2-related condition. Last evaluated: 2020-01-24. Review status: no assertion criteria provided. Collection method: clinical testing. Allele origin: germline. Not counted in ClinVar's aggregate classification.
Comment: This variant is classified as likely benign based on ACMG/AMP sequence variant interpretation guidelines (Richards et al. 2015 PMID: 25741868, with internal and published modifications).